The following is an entry in ClinVar:

NM_001039660.2(IL18BP):c.28+1G>T

Gene: IL18BP (interleukin 18 binding protein; plus strand). Cytogenetic location: 11q13.4.
Variant type: single nucleotide variant.
Coding change: c.28+1G>T on transcript NM_001039660.2 (MANE Select); the canonical splice donor site of the intron after coding-DNA position 28, G replaced by T.
Molecular consequence: splice donor variant.
Genome position (GRCh38, 1-based): chr11:72,000,013, G>T. VCF-style: chr11-72000013-G-T. GRCh37 (hg19) VCF-style: chr11-71711059-G-T.
Other names: c.28+1G>T (NM_001039659.2, NM_173044.3, NM_005699.3 and 3 more transcripts).
Identifiers: ClinVar variation 3728934 (VCV003728934.2).

ClinVar aggregate classification (germline): Uncertain significance (1 of 4 stars; one submission).

gnomAD v4.1: 1 of 1,613,910 alleles (0.000062%); highest among the groups gnomAD compares: Non-Finnish European, 0.000085%; no homozygotes.

Submission:

Labcorp Genetics (formerly Invitae), Labcorp
Classification: Uncertain significance. Last evaluated: 2025-01-13. Review status: criteria provided, single submitter. Criteria: Invitae Variant Classification Sherloc (09022015). Collection method: clinical testing. Allele origin: germline.
Comment: This sequence change affects a donor splice site in intron 1 of the IL18BP gene. It is expected to disrupt RNA splicing. Variants that disrupt the donor or acceptor splice site typically lead to a loss of protein function (PMID: 16199547), however the current clinical and genetic evidence is not sufficient to establish whether loss-of-function variants in IL18BP cause disease. This variant is not present in population databases (gnomAD no frequency). This variant has not been reported in the literature in individuals affected with IL18BP-related conditions. Algorithms developed to predict the effect of sequence changes on RNA splicing suggest that this variant may disrupt the consensus splice site. In summary, the available evidence is currently insufficient to determine the role of this variant in disease. Therefore, it has been classified as a Variant of Uncertain Significance.

Literature cited by the submitters: PubMed 16199547.